The following is an entry in ClinVar:

NM_004415.4(DSP):c.5223G>A (p.Ala1741=)

Gene: DSP (desmoplakin; plus strand). Cytogenetic location: 6p24.3.
Variant type: single nucleotide variant.
Coding change: c.5223G>A on transcript NM_004415.4 (MANE Select); coding-DNA position 5223, G replaced by A.
Protein change: p.Ala1741=; no amino-acid change (alanine 1741 retained).
Molecular consequence: synonymous variant. On other transcripts: intron variant (2).
Genome position (GRCh38, 1-based): chr6:7,581,413, G>A. VCF-style: chr6-7581413-G-A. GRCh37 (hg19) VCF-style: chr6-7581646-G-A.
Other names: c.5223G>A (NM_004415.3); c.4050+1173G>A (NM_001319034.2); c.3583-1229G>A (NM_001008844.3).
Identifiers: ClinVar variation 699292 (VCV000699292.17), dbSNP rs201984474, ClinGen allele CA044338.

ClinVar aggregate classification (germline): Likely benign. Review status: criteria provided, multiple submitters, no conflicts (2 of 4 stars). 5 submissions from 5 submitters: Likely benign (5). Last evaluated 2025-05-12.

Conditions:
Arrhythmogenic cardiomyopathy with wooly hair and keratoderma. Also called: PALMOPLANTAR KERATODERMA WITH LEFT VENTRICULAR CARDIOMYOPATHY AND WOOLLY HAIR; Dilated cardiomyopathy with woolly hair and keratoderma; Arrhythmogenic cardiomyopathy with woolly hair and keratoderma; Carvajal syndrome. Identifiers: Orphanet 65282, MedGen C1854063, MONDO:0011581, OMIM 605676.
Arrhythmogenic right ventricular dysplasia 8 (ARVD8). Also called: Arrhythmogenic Right Ventricular Dysplasia/Cardiomyopathy 8; ARRHYTHMOGENIC RIGHT VENTRICULAR DYSPLASIA, FAMILIAL, 8; ARRHYTHMOGENIC RIGHT VENTRICULAR CARDIOMYOPATHY 8. Identifiers: MedGen C1843896, MONDO:0011831, OMIM 607450.
Cardiovascular phenotype. Identifiers: MedGen CN230736.
Cardiomyopathy (CMYO). Also called: Cardiomyopathies. Identifiers: Orphanet 167848, MedGen C0878544, MONDO:0004994, HP:0001638. Inheritance: Various modes of inheritance.

Allele frequency attached by ClinVar (database versions not stated): TOPMed 0.00002; gnomAD 0.00003.
gnomAD v4.1: 31 of 1,613,172 alleles (0.0019%); highest among the groups gnomAD compares: Admixed American, 0.0084%; no homozygotes.

Submissions (5):

Labcorp Genetics (formerly Invitae), Labcorp
Classification: Likely benign for Arrhythmogenic cardiomyopathy with wooly hair and keratoderma; Arrhythmogenic right ventricular dysplasia 8. Last evaluated: 2025-05-12. Review status: criteria provided, single submitter. Criteria: Invitae Variant Classification Sherloc (09022015). Collection method: clinical testing. Allele origin: germline.

Molecular Diagnostic Laboratory for Inherited Cardiovascular Disease, Montreal Heart Institute
Classification: Likely benign. Last evaluated: 2025-02-17. Review status: criteria provided, single submitter. Criteria: ACMG Guidelines, 2015. Collection method: clinical testing. Allele origin: germline. Affected: no.

All of Us Research Program, National Institutes of Health
Classification: Likely benign for Arrhythmogenic cardiomyopathy with wooly hair and keratoderma. Last evaluated: 2023-11-20. Review status: criteria provided, single submitter. Criteria: ACMG Guidelines, 2015. Collection method: clinical testing. Allele origin: germline. Inheritance: Autosomal dominant inheritance. Observed: 6 variant alleles, 6 heterozygotes.
Comment: This study involves interpretation of variants in research participants for the purpose of population health screening. Participant phenotype was not available at the time of variant classification. Additional details can be found in publication PMID: 35346344, PMCID: PMC8962531

Color Diagnostics, LLC DBA Color Health
Classification: Likely benign for Cardiomyopathy. Last evaluated: 2021-07-08. Review status: criteria provided, single submitter. Criteria: ACMG Guidelines, 2015. Collection method: clinical testing. Allele origin: germline.

Ambry Genetics
Classification: Likely benign for Cardiovascular phenotype. Last evaluated: 2021-04-02. Review status: criteria provided, single submitter. Criteria: Ambry Variant Classification Scheme 2023. Collection method: clinical testing. Allele origin: germline.